The following is an entry in ClinVar:

NM_001987.5(ETV6):c.416C>G (p.Ser139Cys)

Gene: ETV6 (ETS variant transcription factor 6; plus strand). Cytogenetic location: 12p13.2.
Variant type: single nucleotide variant.
Coding change: c.416C>G on transcript NM_001987.5 (MANE Select); coding-DNA position 416, C replaced by G.
Protein change: p.Ser139Cys; replaces serine 139 with cysteine.
Molecular consequence: missense variant.
Genome position (GRCh38, 1-based): chr12:11,853,514, C>G. VCF-style: chr12-11853514-C-G. GRCh37 (hg19) VCF-style: chr12-12006448-C-G.
Other names: c.413C>G, p.Ser138Cys (NM_001413913.1); c.389C>G, p.Ser130Cys (NM_001413914.1); c.152C>G, p.Ser51Cys (NM_001413915.1); c.416C>G, p.Ser139Cys (NM_001413916.1, NM_001413917.1); short protein forms S139C, S130C, S138C, S51C.
Identifiers: ClinVar variation 1676393 (VCV001676393.5), dbSNP rs781336037, ClinGen allele CA6454232.

ClinVar aggregate classification (germline): Uncertain significance. Review status: criteria provided, multiple submitters, no conflicts (2 of 4 stars). 4 submissions from 4 submitters: Uncertain significance (4). Last evaluated 2025-07-16.

Conditions:
Inborn genetic diseases. Identifiers: MedGen C0950123, MeSH D030342.

gnomAD v4.1: 73 of 1,614,120 alleles (0.0045%); highest among the groups gnomAD compares: Non-Finnish European, 0.0062%; no homozygotes.

Submissions (4):

Labcorp Genetics (formerly Invitae), Labcorp
Classification: Uncertain significance. Last evaluated: 2025-07-16. Review status: criteria provided, single submitter. Criteria: Invitae Variant Classification Sherloc (09022015). Collection method: clinical testing. Allele origin: germline.
Comment: This sequence change replaces serine, which is neutral and polar, with cysteine, which is neutral and slightly polar, at codon 139 of the ETV6 protein (p.Ser139Cys). This variant is present in population databases (rs781336037, gnomAD 0.004%). This variant has not been reported in the literature in individuals affected with ETV6-related conditions. ClinVar contains an entry for this variant (Variation ID: 1676393). Invitae Evidence Modeling of protein sequence and biophysical properties (such as structural, functional, and spatial information, amino acid conservation, physicochemical variation, residue mobility, and thermodynamic stability) indicates that this missense variant is not expected to disrupt ETV6 protein function with a negative predictive value of 80%. In summary, the available evidence is currently insufficient to determine the role of this variant in disease. Therefore, it has been classified as a Variant of Uncertain Significance.

Ambry Genetics
Classification: Uncertain significance for Inborn genetic diseases. Last evaluated: 2025-02-21. Review status: criteria provided, single submitter. Criteria: Ambry Variant Classification Scheme 2023. Collection method: clinical testing. Allele origin: germline.
Comment: The p.S139C variant (also known as c.416C>G), located in coding exon 4 of the ETV6 gene, results from a C to G substitution at nucleotide position 416. The serine at codon 139 is replaced by cysteine, an amino acid with dissimilar properties. This amino acid position is highly conserved in available vertebrate species. In addition, this alteration is predicted to be tolerated by in silico analysis. Based on the available evidence, the clinical significance of this variant remains unclear.

GeneDx
Classification: Uncertain significance. Last evaluated: 2022-04-05. Review status: criteria provided, single submitter. Criteria: GeneDx Variant Classification Process June 2021. Collection method: clinical testing. Allele origin: germline. Affected: yes.
Comment: In silico analysis supports that this missense variant does not alter protein structure/function; Has not been previously published as pathogenic or benign to our knowledge; This variant is associated with the following publications: (PMID: 28555414, 28637624)

Blueprint Genetics
Classification: Uncertain significance. Last evaluated: 2021-09-04. Review status: criteria provided, single submitter. Criteria: ACMG Guidelines, 2015. Collection method: clinical testing. Allele origin: germline.